The following is an entry in ClinVar:

ClinVar aggregate classification (germline): Uncertain significance (1 of 4 stars; one submission).

Allele frequency attached by ClinVar (database versions not stated): gnomAD exomes below 0.00001.
gnomAD v4.1: 3 of 1,612,860 alleles (0.00019%); highest among the groups gnomAD compares: Non-Finnish European, 0.00025%; no homozygotes.

Submission:

Labcorp Genetics (formerly Invitae), Labcorp
Classification: Uncertain significance. Last evaluated: 2024-02-17. Review status: criteria provided, single submitter. Criteria: Invitae Variant Classification Sherloc (09022015). Collection method: clinical testing. Allele origin: germline.
Comment: This sequence change falls in intron 8 of the MMP2 gene. It does not directly change the encoded amino acid sequence of the MMP2 protein. It affects a nucleotide within the consensus splice site. This variant is not present in population databases (gnomAD no frequency). This variant has not been reported in the literature in individuals affected with MMP2-related conditions. ClinVar contains an entry for this variant (Variation ID: 1375866). Variants that disrupt the consensus splice site are a relatively common cause of aberrant splicing (PMID: 17576681, 9536098). Algorithms developed to predict the effect of sequence changes on RNA splicing suggest that this variant is not likely to affect RNA splicing. In summary, the available evidence is currently insufficient to determine the role of this variant in disease. Therefore, it has been classified as a Variant of Uncertain Significance.

Literature cited by the submitters: PubMed 17576681; PubMed 9536098.

NM_004530.6(MMP2):c.1336+6C>A

Gene: MMP2 (matrix metallopeptidase 2; plus strand). Cytogenetic location: 16q12.2.
Variant type: single nucleotide variant.
Coding change: c.1336+6C>A on transcript NM_004530.6 (MANE Select); 6 bases into the intron after coding-DNA position 1336, C replaced by A.
Molecular consequence: intron variant.
Genome position (GRCh38, 1-based): chr16:55,491,962, C>A. VCF-style: chr16-55491962-C-A. GRCh37 (hg19) VCF-style: chr16-55525874-C-A.
Other names: c.1108+6C>A (NM_001302508.1, NM_001302510.2, NM_001302509.2); c.1186+6C>A (NM_001127891.3).
Identifiers: ClinVar variation 1375866 (VCV001375866.6), dbSNP rs2142359049, ClinGen allele CA2573152415.
Genomic context (GRCh38, chr16:55,491,962, plus strand): 5'-ACCAAGAACTTCCGTCTGTCCCAGGATGACATCAAGGGCATTCAGGAGCTCTATGGTAAA[C>A]CTCCGGGCGGGGGTTGGGGGTGGAGGGTGAGGAGGGGGGAGGTCATGTAGCCTGGGATGG-3'